The following is an entry in ClinVar:

ClinVar aggregate classification (germline): Conflicting classifications of pathogenicity. Review status: criteria provided, conflicting classifications (1 of 4 stars). 3 submissions from 3 submitters: Uncertain significance (2); Likely benign (1). Last evaluated 2026-01-02.

Conditions:
Hereditary cancer-predisposing syndrome. Also called: Neoplastic Syndromes, Hereditary; Hereditary neoplastic syndrome; Tumor predisposition; Hereditary Cancer Syndrome. Identifiers: Orphanet 140162, MedGen C0027672, MeSH D009386, MONDO:0015356.
Hereditary diffuse gastric adenocarcinoma (HDGC). Also called: DIFFUSE GASTRIC AND LOBULAR BREAST CANCER SYNDROME. Identifiers: Orphanet 26106, MedGen C1708349, MONDO:0007648, OMIM 137215.

Submissions (3):

Ambry Genetics
Classification: Likely benign for Hereditary cancer-predisposing syndrome. Last evaluated: 2026-01-02. Review status: criteria provided, single submitter. Criteria: Ambry Variant Classification Scheme 2023. Collection method: clinical testing. Allele origin: germline.

Labcorp Genetics (formerly Invitae), Labcorp
Classification: Uncertain significance for Hereditary diffuse gastric adenocarcinoma. Last evaluated: 2025-07-15. Review status: criteria provided, single submitter. Criteria: Invitae Variant Classification Sherloc (09022015). Collection method: clinical testing. Allele origin: germline.
Comment: This sequence change replaces threonine, which is neutral and polar, with isoleucine, which is neutral and non-polar, at codon 395 of the CDH1 protein (p.Thr395Ile). This variant is not present in population databases (gnomAD no frequency). This variant has not been reported in the literature in individuals affected with CDH1-related conditions. ClinVar contains an entry for this variant (Variation ID: 141443). An algorithm developed to predict the effect of missense changes on protein structure and function (PolyPhen-2) suggests that this variant is likely to be tolerated. In summary, the available evidence is currently insufficient to determine the role of this variant in disease. Therefore, it has been classified as a Variant of Uncertain Significance.

Color Diagnostics, LLC DBA Color Health
Classification: Uncertain significance for Hereditary cancer-predisposing syndrome. Last evaluated: 2025-03-25. Review status: criteria provided, single submitter. Criteria: ACMG Guidelines, 2015. Collection method: clinical testing. Allele origin: germline.
Comment: This missense variant replaces threonine with isoleucine at codon 395 of the CDH1 protein. To our knowledge, functional studies have not been reported for this variant. This variant has not been reported in individuals affected with CDH1-related disorders in the literature. This variant has not been identified in the general population by the Genome Aggregation Database (gnomAD). The available evidence is insufficient to determine the role of this variant in disease conclusively. Therefore, this variant is classified as a Variant of Uncertain Significance.

NM_004360.5(CDH1):c.1184C>T (p.Thr395Ile)

Gene: CDH1 (cadherin 1; plus strand). Cytogenetic location: 16q22.1.
Variant type: single nucleotide variant.
Coding change: c.1184C>T on transcript NM_004360.5 (MANE Select); coding-DNA position 1184, C replaced by T.
Protein change: p.Thr395Ile; replaces threonine 395 with isoleucine.
Molecular consequence: missense variant. On other transcripts: 5 prime UTR variant (2), intron variant (1).
Genome position (GRCh38, 1-based): chr16:68,813,359, C>T. VCF-style: chr16-68813359-C-T. GRCh37 (hg19) VCF-style: chr16-68847262-C-T.
Other names: c.1184C>T (LRG_301t1); c.-432C>T (NM_001317185.2); c.-636C>T (NM_001317186.2); c.1137+1096C>T (NM_001317184.2); short protein forms T395I.
Identifiers: ClinVar variation 141443 (VCV000141443.15), dbSNP rs587781751, ClinGen allele CA165418.
Genomic context (GRCh38, chr16:68,813,359, plus strand): 5'-TCTTTGCTCTGCAGTACAAGGGTCAGGTGCCTGAGAACGAGGCTAACGTCGTAATCACCA[C>T]ACTGAAAGTGACTGATGCTGATGCCCCCAATACCCCAGCGTGGGAGGCTGTATACACCAT-3'
Protein context (NP_004351.1, residues 385-405): PENEANVVIT[Thr395Ile]LKVTDADAPN